The following is an entry in ClinVar:

NM_001291303.3(FAT4):c.5512A>G (p.Thr1838Ala)

Gene: FAT4 (FAT atypical cadherin 4; plus strand). Cytogenetic location: 4q28.1.
Variant type: single nucleotide variant.
Coding change: c.5512A>G on transcript NM_001291303.3 (MANE Select); coding-DNA position 5512, A replaced by G.
Protein change: p.Thr1838Ala; replaces threonine 1838 with alanine.
Molecular consequence: missense variant.
Genome position (GRCh38, 1-based): chr4:125,407,084, A>G. VCF-style: chr4-125407084-A-G. GRCh37 (hg19) VCF-style: chr4-126328239-A-G.
Other names: c.5512A>G, p.Thr1838Ala (NM_001291285.3, NM_024582.6); short protein forms T1838A.
Identifiers: ClinVar variation 1914245 (VCV001914245.3), dbSNP rs769755345, ClinGen allele CA3072734.

ClinVar aggregate classification (germline): Uncertain significance (1 of 4 stars; one submission).

Allele frequency attached by ClinVar (database versions not stated): TOPMed 0.00001; ExAC 0.00002; gnomAD exomes 0.00002.
gnomAD v4.1: 24 of 1,613,794 alleles (0.0015%); highest among the groups gnomAD compares: East Asian, 0.0022%; no homozygotes.

Submission:

Labcorp Genetics (formerly Invitae), Labcorp
Classification: Uncertain significance. Last evaluated: 2023-08-17. Review status: criteria provided, single submitter. Criteria: Invitae Variant Classification Sherloc (09022015). Collection method: clinical testing. Allele origin: germline.
Comment: In summary, the available evidence is currently insufficient to determine the role of this variant in disease. Therefore, it has been classified as a Variant of Uncertain Significance. Advanced modeling of protein sequence and biophysical properties (such as structural, functional, and spatial information, amino acid conservation, physicochemical variation, residue mobility, and thermodynamic stability) performed at Invitae indicates that this missense variant is not expected to disrupt FAT4 protein function. ClinVar contains an entry for this variant (Variation ID: 1914245). This variant has not been reported in the literature in individuals affected with FAT4-related conditions. This variant is present in population databases (rs769755345, gnomAD 0.003%). This sequence change replaces threonine, which is neutral and polar, with alanine, which is neutral and non-polar, at codon 1838 of the FAT4 protein (p.Thr1838Ala).